The following is an entry in ClinVar:

ClinVar aggregate classification (germline): Uncertain significance (1 of 4 stars; one submission).

Conditions:
Chédiak-Higashi syndrome (CHS). Also called: Chediak-Higashi Syndrome. Identifiers: Orphanet 167, MedGen C0007965, MONDO:0008963, OMIM 214500.

Allele frequency attached by ClinVar (database versions not stated): gnomAD 0.00001; TOPMed 0.00003; ESP Exome Variant Server 0.00008.
gnomAD v4.1: 9 of 1,613,742 alleles (0.00056%); highest among the groups gnomAD compares: Admixed American, 0.0017%; no homozygotes.

Submission:

Labcorp Genetics (formerly Invitae), Labcorp
Classification: Uncertain significance for Chédiak-Higashi syndrome. Last evaluated: 2025-06-04. Review status: criteria provided, single submitter. Criteria: Invitae Variant Classification Sherloc (09022015). Collection method: clinical testing. Allele origin: germline.
Comment: This sequence change replaces proline, which is neutral and non-polar, with threonine, which is neutral and polar, at codon 2940 of the LYST protein (p.Pro2940Thr). This variant is present in population databases (rs375839384, gnomAD 0.003%). This variant has not been reported in the literature in individuals affected with LYST-related conditions. ClinVar contains an entry for this variant (Variation ID: 296367). Invitae Evidence Modeling of protein sequence and biophysical properties (such as structural, functional, and spatial information, amino acid conservation, physicochemical variation, residue mobility, and thermodynamic stability) indicates that this missense variant is not expected to disrupt LYST protein function with a negative predictive value of 80%. In summary, the available evidence is currently insufficient to determine the role of this variant in disease. Therefore, it has been classified as a Variant of Uncertain Significance.

NM_000081.4(LYST):c.8818C>A (p.Pro2940Thr)

Gene: LYST (lysosomal trafficking regulator; minus strand). Cytogenetic location: 1q42.3.
Variant type: single nucleotide variant.
Coding change: c.8818C>A on transcript NM_000081.4 (MANE Select); coding-DNA position 8818, C replaced by A.
Protein change: p.Pro2940Thr; replaces proline 2940 with threonine.
Molecular consequence: missense variant.
Genome position (GRCh38, 1-based): chr1:235,731,161, G>T on the plus strand (C>A on the coding strand, the complement: LYST is on the minus strand). VCF-style: chr1-235731161-G-T. GRCh37 (hg19) VCF-style: chr1-235894461-G-T.
Other names: c.8818C>A, p.Pro2940Thr (NM_001301365.1); short protein forms P2940T.
Identifiers: ClinVar variation 296367 (VCV000296367.9), dbSNP rs375839384, ClinGen allele CA1465749.